The following is an entry in ClinVar:

NM_001145809.2(MYH14):c.2545G>A (p.Val849Ile)

Gene: MYH14 (myosin heavy chain 14; plus strand). Cytogenetic location: 19q13.33.
Variant type: single nucleotide variant.
Coding change: c.2545G>A on transcript NM_001145809.2 (MANE Select); coding-DNA position 2545, G replaced by A.
Protein change: p.Val849Ile; replaces valine 849 with isoleucine.
Molecular consequence: missense variant.
Genome position (GRCh38, 1-based): chr19:50,261,595, G>A. VCF-style: chr19-50261595-G-A. GRCh37 (hg19) VCF-style: chr19-50764852-G-A.
Other names: c.2446G>A, p.Val816Ile (NM_001077186.2); c.2422G>A, p.Val808Ile (NM_024729.4); short protein forms V808I, V816I, V849I.
Identifiers: ClinVar variation 3344281 (VCV003344281.1).

ClinVar aggregate classification (germline): Uncertain significance (0 of 4 stars; one submission).

Conditions:
MYH14-related disorder. Also called: MYH14-related condition.

gnomAD v4.1: 11 of 1,603,908 alleles (0.00069%); highest among the groups gnomAD compares: Admixed American, 0.0034%; no homozygotes.

Submission:

PreventionGenetics, part of Exact Sciences
Classification: Uncertain significance for MYH14-related condition. Last evaluated: 2024-05-17. Review status: no assertion criteria provided. Collection method: clinical testing. Allele origin: germline.
Comment: The MYH14 c.2545G>A variant is predicted to result in the amino acid substitution p.Val849Ile. To our knowledge, this variant has not been reported in the literature. This variant is reported in 0.0057% of alleles in individuals of Latino descent in gnomAD. At this time, the clinical significance of this variant is uncertain due to the absence of conclusive functional and genetic evidence.